The following is an entry in ClinVar:

NM_002661.5(PLCG2):c.740A>G (p.Gln247Arg)

Gene: PLCG2 (phospholipase C gamma 2; plus strand). Cytogenetic location: 16q23.3.
Variant type: single nucleotide variant.
Coding change: c.740A>G on transcript NM_002661.5 (MANE Select); coding-DNA position 740, A replaced by G.
Protein change: p.Gln247Arg; replaces glutamine 247 with arginine.
Molecular consequence: missense variant.
Genome position (GRCh38, 1-based): chr16:81,883,316, A>G. VCF-style: chr16-81883316-A-G. GRCh37 (hg19) VCF-style: chr16-81916921-A-G.
Other names: c.740A>G, p.Gln247Arg (NM_001425749.1, NM_001425750.1, NM_001425751.1); short protein forms Q247R.
Identifiers: ClinVar variation 3711663 (VCV003711663.2).

ClinVar aggregate classification (germline): Uncertain significance (1 of 4 stars; one submission).

Conditions:
Familial cold autoinflammatory syndrome 3 (FCAS3). Also called: ANTIBODY DEFICIENCY AND IMMUNE DYSREGULATION, PLCG2-ASSOCIATED; FAMILIAL ATYPICAL COLD URTICARIA. Identifiers: Orphanet 300359, MedGen C3280914, MONDO:0013766, OMIM 614468.

gnomAD v4.1: 7 of 1,613,996 alleles (0.00043%); highest among the groups gnomAD compares: Non-Finnish European, 0.00059%; no homozygotes.

Submission:

Labcorp Genetics (formerly Invitae), Labcorp
Classification: Uncertain significance for Familial cold autoinflammatory syndrome 3. Last evaluated: 2025-05-15. Review status: criteria provided, single submitter. Criteria: Invitae Variant Classification Sherloc (09022015). Collection method: clinical testing. Allele origin: germline.
Comment: This sequence change replaces glutamine, which is neutral and polar, with arginine, which is basic and polar, at codon 247 of the PLCG2 protein (p.Gln247Arg). This variant is present in population databases (no rsID available, gnomAD 0.002%). This variant has not been reported in the literature in individuals affected with PLCG2-related conditions. ClinVar contains an entry for this variant (Variation ID: 3711663). An algorithm developed to predict the effect of missense changes on protein structure and function (PolyPhen-2) suggests that this variant is likely to be disruptive. In summary, the available evidence is currently insufficient to determine the role of this variant in disease. Therefore, it has been classified as a Variant of Uncertain Significance.